The following is an entry in ClinVar:

ClinVar aggregate classification (germline): Uncertain significance (1 of 4 stars; one submission).

Submission:

Labcorp Genetics (formerly Invitae), Labcorp
Classification: Uncertain significance. Last evaluated: 2025-03-31. Review status: criteria provided, single submitter. Criteria: Invitae Variant Classification Sherloc (09022015). Collection method: clinical testing. Allele origin: germline.
Comment: This sequence change replaces histidine, which is basic and polar, with asparagine, which is neutral and polar, at codon 288 of the MSH3 protein (p.His288Asn). This variant is not present in population databases (gnomAD no frequency). This variant has not been reported in the literature in individuals affected with MSH3-related conditions. An algorithm developed to predict the effect of missense changes on protein structure and function (PolyPhen-2) suggests that this variant is likely to be disruptive. In summary, the available evidence is currently insufficient to determine the role of this variant in disease. Therefore, it has been classified as a Variant of Uncertain Significance.

NM_002439.5(MSH3):c.862C>A (p.His288Asn)

Gene: MSH3 (mutS homolog 3; plus strand). Cytogenetic location: 5q14.1.
Variant type: single nucleotide variant.
Coding change: c.862C>A on transcript NM_002439.5 (MANE Select); coding-DNA position 862, C replaced by A.
Protein change: p.His288Asn; replaces histidine 288 with asparagine.
Molecular consequence: missense variant.
Genome position (GRCh38, 1-based): chr5:80,672,313, C>A. VCF-style: chr5-80672313-C-A. GRCh37 (hg19) VCF-style: chr5-79968132-C-A.
Other names: short protein forms H288N.
Identifiers: ClinVar variation 4716386 (VCV004716386.1).